The following is an entry in ClinVar:

ClinVar aggregate classification (germline): Likely pathogenic (1 of 4 stars; one submission).

Submission:

GeneDx
Classification: Likely pathogenic. Last evaluated: 2018-10-24. Review status: criteria provided, single submitter. Criteria: GeneDx Variant Classification (06012015). Collection method: clinical testing. Allele origin: germline. Affected: yes.
Comment: The c.1639dupC variant in the SLC6A3 gene has not been reported previously as a pathogenic variant nor as a benign variant, to our knowledge. The c.1639dupC variant causes a frameshift starting with codon Histidine 547, changes this amino acid to a Proline residue, and creates a premature Stop codon at position 56 of the new reading frame, denoted p.His547ProfsX56. This variant is predicted to cause loss of normal protein function through protein truncation with the last 74 amino acid residues replaced by 55 incorrect residues. The c.1639dupC variant is not observed in large population cohorts (Lek et al., 2016). We interpret c.1639dupC as a likely pathogenic variant.

NM_001044.5(SLC6A3):c.1639dup (p.His547fs)

Gene: SLC6A3 (solute carrier family 6 member 3). Cytogenetic location: 5p15.33.
Variant type: Duplication.
Coding change: c.1639dup on transcript NM_001044.5 (MANE Select); coding-DNA position 1639, one base duplicated.
Protein change: p.His547fs; shifts the reading frame from histidine 547.
Molecular consequence: frameshift variant.
Genome position: GRCh38 VCF-style: chr5-1403049-T-TG. GRCh37 (hg19) VCF-style: chr5-1403164-T-TG.
Other names: short protein forms H547fs.
Identifiers: ClinVar variation 817293 (VCV000817293.1), dbSNP rs749320240, ClinGen allele CA3185957.
Genomic context (GRCh38, chr5:1,403,049, plus strand): 5'-GATGTGGCGATGACCCAGCCCAGCGCGTTGGCCCAGTCGGGGAAGATGTAGGCTCCGTAG[T>TG]GGGGGGGTCTGAAGGTCACAATGCTGACCACGACCACGAACTGCAACCAGCAGATACGGA-3'